The following is an entry in ClinVar:

NM_004304.5(ALK):c.536G>T (p.Arg179Leu)

Gene: ALK (ALK receptor tyrosine kinase; minus strand). Cytogenetic location: 2p23.1.
Variant type: single nucleotide variant.
Coding change: c.536G>T on transcript NM_004304.5 (MANE Select); coding-DNA position 536, G replaced by T.
Protein change: p.Arg179Leu; replaces arginine 179 with leucine.
Molecular consequence: missense variant.
Genome position (GRCh38, 1-based): chr2:29,920,124, C>A on the plus strand (G>T on the coding strand, the complement: ALK is on the minus strand). VCF-style: chr2-29920124-C-A. GRCh37 (hg19) VCF-style: chr2-30142990-C-A.
Other names: c.536G>T (NM_004304.4); short protein forms R179L.
Identifiers: ClinVar variation 1038235 (VCV001038235.10), dbSNP rs1316424431, ClinGen allele CA346589844.

ClinVar aggregate classification (germline): Conflicting classifications of pathogenicity. Review status: criteria provided, conflicting classifications (1 of 4 stars). 2 submissions from 2 submitters: Uncertain significance (1); Likely benign (1). Last evaluated 2026-03-04.

Conditions:
Neuroblastoma, susceptibility to, 3. Also called: ALK-Related Neuroblastic Tumor Susceptibility. Identifiers: Orphanet 635, MedGen C2751681, MONDO:0013083, OMIM 613014.
Hereditary cancer-predisposing syndrome. Also called: Hereditary Cancer Syndrome; Neoplastic Syndromes, Hereditary; Tumor predisposition; Hereditary neoplastic syndrome. Identifiers: Orphanet 140162, MedGen C0027672, MeSH D009386, MONDO:0015356.

Submissions (2):

Ambry Genetics
Classification: Likely benign for Hereditary cancer-predisposing syndrome. Last evaluated: 2026-03-04. Review status: criteria provided, single submitter. Criteria: Ambry Variant Classification Scheme 2023. Collection method: clinical testing. Allele origin: germline.

Labcorp Genetics (formerly Invitae), Labcorp
Classification: Uncertain significance for Neuroblastoma, susceptibility to, 3. Last evaluated: 2021-08-18. Review status: criteria provided, single submitter. Criteria: Invitae Variant Classification Sherloc (09022015). Collection method: clinical testing. Allele origin: germline.
Comment: This sequence change replaces arginine with leucine at codon 179 of the ALK protein (p.Arg179Leu). The arginine residue is weakly conserved and there is a moderate physicochemical difference between arginine and leucine. This variant is not present in population databases (ExAC no frequency). This variant has not been reported in the literature in individuals with ALK-related conditions. Algorithms developed to predict the effect of missense changes on protein structure and function output the following: SIFT: "Tolerated"; PolyPhen-2: "Benign"; Align-GVGD: "Class C0". The leucine amino acid residue is found in multiple mammalian species, suggesting that this missense change does not adversely affect protein function. These predictions have not been confirmed by published functional studies and their clinical significance is uncertain. In summary, the available evidence is currently insufficient to determine the role of this variant in disease. Therefore, it has been classified as a Variant of Uncertain Significance.